The following is an entry in ClinVar:

ClinVar aggregate classification (germline): Uncertain significance. Review status: criteria provided, multiple submitters, no conflicts (2 of 4 stars). 2 submissions from 2 submitters: Uncertain significance (2). Last evaluated 2026-06-15.

Conditions:
RASopathy. Also called: Noonan spectrum disorder; rasopathies. Identifiers: Orphanet 536391, MedGen C5555857, MONDO:0021060.
Cardiovascular phenotype. Identifiers: MedGen CN230736.

Allele frequency attached by ClinVar (database versions not stated): gnomAD exomes below 0.00001; ExAC 0.00001; gnomAD 0.00001; TOPMed 0.00001.
gnomAD v4.1: 2 of 1,614,088 alleles (0.00012%); highest among the groups gnomAD compares: Admixed American, 0.0017%; no homozygotes.

Submissions (2):

Ambry Genetics
Classification: Uncertain significance for Cardiovascular phenotype. Last evaluated: 2026-06-15. Review status: criteria provided, single submitter. Criteria: Ambry Variant Classification Scheme 2023. Collection method: clinical testing. Allele origin: germline.
Comment: The p.S289L variant (also known as c.866C>T), located in coding exon 8 of the RAF1 gene, results from a C to T substitution at nucleotide position 866. The serine at codon 289 is replaced by leucine, an amino acid with dissimilar properties. This amino acid position is conserved. In addition, the in silico prediction for this alteration is inconclusive. Based on the available evidence, the clinical significance of this variant remains unclear.

Labcorp Genetics (formerly Invitae), Labcorp
Classification: Uncertain significance for RASopathy. Last evaluated: 2024-04-15. Review status: criteria provided, single submitter. Criteria: Invitae Variant Classification Sherloc (09022015). Collection method: clinical testing. Allele origin: germline.
Comment: This sequence change replaces serine, which is neutral and polar, with leucine, which is neutral and non-polar, at codon 289 of the RAF1 protein (p.Ser289Leu). This variant is present in population databases (rs755977690, gnomAD 0.003%). This variant has not been reported in the literature in individuals affected with RAF1-related conditions. ClinVar contains an entry for this variant (Variation ID: 2165958). Advanced modeling of protein sequence and biophysical properties (such as structural, functional, and spatial information, amino acid conservation, physicochemical variation, residue mobility, and thermodynamic stability) performed at Invitae indicates that this missense variant is not expected to disrupt RAF1 protein function with a negative predictive value of 95%. In summary, the available evidence is currently insufficient to determine the role of this variant in disease. Therefore, it has been classified as a Variant of Uncertain Significance.

NM_002880.4(RAF1):c.866C>T (p.Ser289Leu)

Gene: RAF1 (Raf-1 proto-oncogene, serine/threonine kinase; minus strand). Cytogenetic location: 3p25.2.
Variant type: single nucleotide variant.
Coding change: c.866C>T on transcript NM_002880.4 (MANE Select); coding-DNA position 866, C replaced by T.
Protein change: p.Ser289Leu; replaces serine 289 with leucine.
Molecular consequence: missense variant. On other transcripts: non-coding transcript variant (3).
Genome position (GRCh38, 1-based): chr3:12,600,276, G>A on the plus strand (C>T on the coding strand, the complement: RAF1 is on the minus strand). VCF-style: chr3-12600276-G-A. GRCh37 (hg19) VCF-style: chr3-12641775-G-A.
Other names: c.926C>T, p.Ser309Leu (NM_001354689.3); c.866C>T, p.Ser289Leu (NM_001354690.3); c.623C>T, p.Ser208Leu (NM_001354691.3, NM_001354692.3); c.767C>T, p.Ser256Leu (NM_001354693.3); c.683C>T, p.Ser228Leu (NM_001354694.3); c.524C>T, p.Ser175Leu (NM_001354695.3); short protein forms S208L, S256L, S309L, S175L, S228L, S289L.
Identifiers: ClinVar variation 2165958 (VCV002165958.5), dbSNP rs755977690, ClinGen allele CA2259642.